The following is an entry in ClinVar:

NM_004656.4(BAP1):c.37G>A (p.Gly13Ser)

Gene: BAP1 (BRCA1 associated deubiquitinase 1; minus strand). Cytogenetic location: 3p21.1.
Variant type: single nucleotide variant.
Coding change: c.37G>A on transcript NM_004656.4 (MANE Select); coding-DNA position 37, G replaced by A.
Protein change: p.Gly13Ser; replaces glycine 13 with serine.
Molecular consequence: missense variant.
Genome position (GRCh38, 1-based): chr3:52,409,842, C>T on the plus strand (G>A on the coding strand, the complement: BAP1 is on the minus strand). VCF-style: chr3-52409842-C-T. GRCh37 (hg19) VCF-style: chr3-52443858-C-T.
Other names: c.37G>A, p.Gly13Ser (NM_001410772.1); short protein forms G13S.
Identifiers: ClinVar variation 2450423 (VCV002450423.5), dbSNP rs2471367667, ClinGen allele CA353115040.

ClinVar aggregate classification (germline): Uncertain significance. Review status: criteria provided, multiple submitters, no conflicts (2 of 4 stars). 2 submissions from 2 submitters: Uncertain significance (2). Last evaluated 2023-11-18.

Conditions:
Hereditary cancer-predisposing syndrome. Also called: Neoplastic Syndromes, Hereditary; Tumor predisposition; Hereditary neoplastic syndrome; Hereditary Cancer Syndrome. Identifiers: Orphanet 140162, MedGen C0027672, MeSH D009386, MONDO:0015356.
BAP1-related tumor predisposition syndrome (TPDS1). Also called: BAP1 tumor predisposition syndrome; Tumor susceptibility linked to germline BAP1 mutations; TUMOR PREDISPOSITION SYNDROME 1; COMMON Syndrome. Identifiers: Orphanet 289539, MedGen C3280492, MONDO:0013692, OMIM 614327.

Submissions (2):

Labcorp Genetics (formerly Invitae), Labcorp
Classification: Uncertain significance for BAP1-related tumor predisposition syndrome. Last evaluated: 2023-11-18. Review status: criteria provided, single submitter. Criteria: Invitae Variant Classification Sherloc (09022015). Collection method: clinical testing. Allele origin: germline.
Comment: This sequence change replaces glycine, which is neutral and non-polar, with serine, which is neutral and polar, at codon 13 of the BAP1 protein (p.Gly13Ser). This variant also falls at the last nucleotide of exon 1, which is part of the consensus splice site for this exon. This variant is not present in population databases (gnomAD no frequency). This variant has not been reported in the literature in individuals affected with BAP1-related conditions. ClinVar contains an entry for this variant (Variation ID: 2450423). An algorithm developed to predict the effect of missense changes on protein structure and function (PolyPhen-2) suggests that this variant is likely to be disruptive. Variants that disrupt the consensus splice site are a relatively common cause of aberrant splicing (PMID: 17576681, 9536098). Algorithms developed to predict the effect of sequence changes on RNA splicing suggest that this variant may disrupt the consensus splice site. In summary, the available evidence is currently insufficient to determine the role of this variant in disease. Therefore, it has been classified as a Variant of Uncertain Significance.

Ambry Genetics
Classification: Uncertain significance for Hereditary cancer-predisposing syndrome. Last evaluated: 2022-12-13. Review status: criteria provided, single submitter. Criteria: Ambry Variant Classification Scheme 2023. Collection method: clinical testing. Allele origin: germline.
Comment: The p.G13S variant (also known as c.37G>A), located in coding exon 1 of the BAP1 gene, results from a G to A substitution at nucleotide position 37. The glycine at codon 13 is replaced by serine, an amino acid with similar properties. However, this change occurs in the last base pair of coding exon 1 and may have some effect on normal mRNA splicing. This nucleotide position is highly conserved in available vertebrate species. In silico splice site analysis for this alteration is inconclusive. This amino acid position is highly conserved in available vertebrate species. In addition, as a missense substitution this is predicted to be inconclusive by in silico analysis. Since supporting evidence is limited at this time, the clinical significance of this alteration remains unclear.

Literature cited by the submitters: PubMed 17576681 (cited by Labcorp Genetics (formerly Invitae), Labcorp); PubMed 9536098 (cited by Labcorp Genetics (formerly Invitae), Labcorp).